The following is an entry in ClinVar:

ClinVar aggregate classification (germline): Pathogenic (1 of 4 stars; one submission).

Submission:

Labcorp Genetics (formerly Invitae), Labcorp
Classification: Pathogenic. Last evaluated: 2023-01-14. Review status: criteria provided, single submitter. Criteria: Invitae Variant Classification Sherloc (09022015). Collection method: clinical testing. Allele origin: germline.
Comment: For these reasons, this variant has been classified as Pathogenic. This variant disrupts a region of the NDP protein in which other variant(s) (p.Cys131*) have been determined to be pathogenic (PMID: 25711638; Invitae). This suggests that this is a clinically significant region of the protein, and that variants that disrupt it are likely to be disease-causing. This variant has not been reported in the literature in individuals affected with NDP-related conditions. This variant is not present in population databases (gnomAD no frequency). This sequence change results in a frameshift in the NDP gene (p.Gly113Alafs*149). While this is not anticipated to result in nonsense mediated decay, it is expected to disrupt the last 21 amino acid(s) of the NDP protein and extend the protein by 127 additional amino acid residues.

Literature cited by the submitters: PubMed 25711638.

NM_000266.4(NDP):c.333del (p.Gly113fs)

Genes: NDP (norrin cystine knot growth factor NDP; minus strand), NDP-AS1 (NDP antisense RNA 1; plus strand). Cytogenetic location: Xp11.3.
Variant type: Deletion.
Coding change: c.333del on transcript NM_000266.4 (MANE Select); coding-DNA position 333, one base deleted (A; older notation c.333delA).
Protein change: p.Gly113fs; shifts the reading frame from glycine 113.
Molecular consequence: frameshift variant. On other transcripts: non-coding transcript variant (1).
Genome position (GRCh38, 1-based): chrX:43,949,868, T deleted on the plus strand (A on the coding strand, the reverse complement: NDP is on the minus strand). VCF-style (leftmost placement, unchanged base first): chrX-43949867-CT-C. GRCh37 (hg19) VCF-style: chrX-43809113-CT-C.
Other names: short protein forms G113fs.
Identifiers: ClinVar variation 2737213 (VCV002737213.3), dbSNP rs2519314898, ClinGen allele CA2695233472.